The following is an entry in ClinVar:

ClinVar aggregate classification (germline): Likely benign. Review status: criteria provided, single submitter (1 of 4 stars). 2 submissions from 2 submitters: Likely benign (1). 1 of the submissions does not count toward it. Last evaluated 2023-02-04.

Conditions:
NEK1-related disorder. Also called: NEK1-related condition.
Short-rib thoracic dysplasia 6 with or without polydactyly (SRTD6). Also called: SHORT-RIB THORACIC DYSPLASIA 6 WITH POLYDACTYLY; SHORT-RIB THORACIC DYSPLASIA 6 WITHOUT POLYDACTYLY; Majewski Syndrome; SHORT RIB-POLYDACTYLY SYNDROME, TYPE IIA; POLYDACTYLY WITH NEONATAL CHONDRODYSTROPHY, TYPE II. Identifiers: MedGen C0024507, MONDO:0009894, OMIM 263520.

gnomAD v4.1: 4 of 1,601,682 alleles (0.00025%); highest among the groups gnomAD compares: Non-Finnish European, 0.00026%; no homozygotes.

Submissions (2):

Labcorp Genetics (formerly Invitae), Labcorp
Classification: Likely benign for Short-rib thoracic dysplasia 6 with or without polydactyly. Last evaluated: 2023-02-04. Review status: criteria provided, single submitter. Criteria: Invitae Variant Classification Sherloc (09022015). Collection method: clinical testing. Allele origin: germline.

PreventionGenetics, part of Exact Sciences
Classification: Likely benign for NEK1-related condition. Last evaluated: 2022-07-12. Review status: no assertion criteria provided. Collection method: clinical testing. Allele origin: germline. Not counted in ClinVar's aggregate classification.
Comment: This variant is classified as likely benign based on ACMG/AMP sequence variant interpretation guidelines (Richards et al. 2015 PMID: 25741868, with internal and published modifications).

NM_001199397.3(NEK1):c.2415A>T (p.Thr805=)

Gene: NEK1 (NIMA related kinase 1; minus strand). Cytogenetic location: 4q33.
Variant type: single nucleotide variant.
Coding change: c.2415A>T on transcript NM_001199397.3 (MANE Select); coding-DNA position 2415, A replaced by T.
Protein change: p.Thr805=; no amino-acid change (threonine 805 retained).
Molecular consequence: synonymous variant. On other transcripts: non-coding transcript variant (1).
Genome position (GRCh38, 1-based): chr4:169,477,143, T>A on the plus strand (A>T on the coding strand, the complement: NEK1 is on the minus strand). VCF-style: chr4-169477143-T-A. GRCh37 (hg19) VCF-style: chr4-170398294-T-A.
Other names: c.2331A>T (NM_012224.2); c.2283A>T, p.Thr761= (NM_001199398.3); c.2124A>T, p.Thr708= (NM_001199399.3); c.2199A>T, p.Thr733= (NM_001199400.3); c.2415A>T, p.Thr805= (NM_001374418.1); c.2331A>T, p.Thr777= (NM_001374419.1, NM_012224.4); c.2280A>T, p.Thr760= (NM_001374420.1); c.2109A>T, p.Thr703= (NM_001374421.1).
Identifiers: ClinVar variation 2873883 (VCV002873883.5), dbSNP rs909668642, ClinGen allele CA442071241.